The following is an entry in ClinVar:

ClinVar aggregate classification (germline): Uncertain significance (1 of 4 stars; one submission).

Conditions:
Hyperkalemic periodic paralysis. Also called: Familial hyperkalemic periodic paralysis; Gamstorp disease. Identifiers: Orphanet 682, MedGen C0238357, MONDO:0008224, OMIM 170500, HP:0007215.

Submission:

Labcorp Genetics (formerly Invitae), Labcorp
Classification: Uncertain significance for Hyperkalemic periodic paralysis. Last evaluated: 2021-07-19. Review status: criteria provided, single submitter. Criteria: Invitae Variant Classification Sherloc (09022015). Collection method: clinical testing. Allele origin: germline.
Comment: In summary, the available evidence is currently insufficient to determine the role of this variant in disease. Therefore, it has been classified as a Variant of Uncertain Significance. This sequence change replaces lysine with glutamic acid at codon 1302 of the SCN4A protein (p.Lys1302Glu). The lysine residue is highly conserved and there is a small physicochemical difference between lysine and glutamic acid. This variant is not present in population databases (ExAC no frequency). This variant has not been reported in the literature in individuals affected with SCN4A-related conditions. Algorithms developed to predict the effect of missense changes on protein structure and function (SIFT, PolyPhen-2, Align-GVGD) all suggest that this variant is likely to be disruptive.

NM_000334.4(SCN4A):c.3904A>G (p.Lys1302Glu)

Genes: SCN4A (sodium voltage-gated channel alpha subunit 4; minus strand), GH-LCR (growth hormone locus control region; plus strand). Cytogenetic location: 17q23.3.
Variant type: single nucleotide variant.
Coding change: c.3904A>G on transcript NM_000334.4 (MANE Select); coding-DNA position 3904, A replaced by G.
Protein change: p.Lys1302Glu; replaces lysine 1302 with glutamic acid.
Molecular consequence: missense variant.
Genome position (GRCh38, 1-based): chr17:63,944,681, T>C on the plus strand (A>G on the coding strand, the complement: SCN4A is on the minus strand). VCF-style: chr17-63944681-T-C. GRCh37 (hg19) VCF-style: chr17-62022041-T-C.
Other names: short protein forms K1302E.
Identifiers: ClinVar variation 1368595 (VCV001368595.8), dbSNP rs1555601285, ClinGen allele CA400617225.